The following is an entry in ClinVar:

ClinVar aggregate classification (germline): Uncertain significance. Review status: criteria provided, multiple submitters, no conflicts (2 of 4 stars). 3 submissions from 3 submitters: Uncertain significance (3). Last evaluated 2026-06-10.

Conditions:
Inborn genetic diseases. Identifiers: MedGen C0950123, MeSH D030342.
ABCC2-related disorder. Also called: ABCC2-related condition.

gnomAD v4.1: 13 of 1,614,046 alleles (0.00081%); highest among the groups gnomAD compares: Admixed American, 0.0017%; no homozygotes.

Submissions (3):

PreventionGenetics, part of Exact Sciences
Classification: Uncertain significance for ABCC2-related condition. Last evaluated: 2026-06-10. Review status: criteria provided, single submitter. Criteria: ACMG Guidelines, 2015. Collection method: clinical testing. Allele origin: germline.
Comment: The ABCC2 c.2933C>T variant is predicted to result in the amino acid substitution p.Ser978Leu. To our knowledge, this variant has not been reported in the literature. This variant is reported in 0.0033% of alleles in individuals of South Asian descent in gnomAD. At this time, the clinical significance of this variant is uncertain due to the absence of conclusive functional and genetic evidence.

Labcorp Genetics (formerly Invitae), Labcorp
Classification: Uncertain significance. Last evaluated: 2025-10-28. Review status: criteria provided, single submitter. Criteria: Invitae Variant Classification Sherloc (09022015). Collection method: clinical testing. Allele origin: germline.
Comment: This sequence change replaces serine, which is neutral and polar, with leucine, which is neutral and non-polar, at codon 978 of the ABCC2 protein (p.Ser978Leu). This variant is present in population databases (rs763988128, gnomAD 0.003%). This variant has not been reported in the literature in individuals affected with ABCC2-related conditions. ClinVar contains an entry for this variant (Variation ID: 3989108). Invitae Evidence Modeling of protein sequence and biophysical properties (such as structural, functional, and spatial information, amino acid conservation, physicochemical variation, residue mobility, and thermodynamic stability) indicates that this missense variant is not expected to disrupt ABCC2 protein function with a negative predictive value of 95%. In summary, the available evidence is currently insufficient to determine the role of this variant in disease. Therefore, it has been classified as a Variant of Uncertain Significance.

Ambry Genetics
Classification: Uncertain significance for Inborn genetic diseases. Last evaluated: 2025-06-07. Review status: criteria provided, single submitter. Criteria: Ambry Variant Classification Scheme 2023. Collection method: clinical testing. Allele origin: germline.

NM_000392.5(ABCC2):c.2933C>T (p.Ser978Leu)

Gene: ABCC2 (ATP binding cassette subfamily C member 2; plus strand). Cytogenetic location: 10q24.2.
Variant type: single nucleotide variant.
Coding change: c.2933C>T on transcript NM_000392.5 (MANE Select); coding-DNA position 2933, C replaced by T.
Protein change: p.Ser978Leu; replaces serine 978 with leucine.
Molecular consequence: missense variant.
Genome position (GRCh38, 1-based): chr10:99,831,660, C>T. VCF-style: chr10-99831660-C-T. GRCh37 (hg19) VCF-style: chr10-101591417-C-T.
Other names: c.2933C>T (NM_000392.4); short protein forms S978L.
Identifiers: ClinVar variation 3989108 (VCV003989108.3).